The following is an entry in ClinVar:

ClinVar aggregate classification (germline): Benign. Review status: criteria provided, multiple submitters, no conflicts (2 of 4 stars). 2 submissions from 2 submitters: Benign (2). Last evaluated 2018-06-14.

Allele frequency attached by ClinVar (database versions not stated): gnomAD exomes 0.47710; gnomAD 0.53788; 1000 Genomes Project 0.56795; 1000 Genomes Project 30x 0.58252; TOPMed 0.59640.

Submissions (2):

GeneDx
Classification: Benign. Last evaluated: 2018-06-14. Review status: criteria provided, single submitter. Criteria: GeneDx Variant Classification (06012015). Collection method: clinical testing. Allele origin: germline. Affected: yes.
Comment: This variant is considered likely benign or benign based on one or more of the following criteria: it is a conservative change, it occurs at a poorly conserved position in the protein, it is predicted to be benign by multiple in silico algorithms, and/or has population frequency not consistent with disease.

Breakthrough Genomics
Classification: Benign. Review status: criteria provided, single submitter. Criteria: ACMG Guidelines, 2015. Collection method: not provided. Allele origin: germline. Inheritance: X-linked inheritance. Affected: yes.

NM_005120.3(MED12):c.6409-125T>C

Gene: MED12 (mediator complex subunit 12; plus strand). Cytogenetic location: Xq13.1.
Variant type: single nucleotide variant.
Coding change: c.6409-125T>C on transcript NM_005120.3 (MANE Select); 125 bases into the intron before coding-DNA position 6409, T replaced by C.
Molecular consequence: intron variant.
Genome position (GRCh38, 1-based): chrX:71,141,758, T>C. VCF-style: chrX-71141758-T-C. GRCh37 (hg19) VCF-style: chrX-70361608-T-C.
Identifiers: ClinVar variation 673791 (VCV000673791.2), dbSNP rs7056408, ClinGen allele CA330985528.
Genomic context (GRCh38, chrX:71,141,758, plus strand): 5'-GAGGCTGAGGCAGAGAATTGCTTGAACTTGGGAGGCAGAGGTTGCAGTGAGCCAAGATCA[T>C]GCCACTGCACTCCAGCCTGGGGGACAGAGCGAGACTCCATCTCAAAAAAAAAAACGGATT-3'